The following is an entry in ClinVar:

NM_000535.7(PMS2):c.-2C>T

Gene: PMS2 (PMS1 homolog 2, mismatch repair system component; minus strand). Cytogenetic location: 7p22.1.
Variant type: single nucleotide variant.
Coding change: c.-2C>T on transcript NM_000535.7 (MANE Select); 2 bases upstream of the start codon, C replaced by T.
Molecular consequence: 5 prime UTR variant. On other transcripts: non-coding transcript variant (1).
Genome position (GRCh38, 1-based): chr7:6,009,021, G>A on the plus strand (C>T on the coding strand, the complement: PMS2 is on the minus strand). VCF-style: chr7-6009021-G-A. GRCh37 (hg19) VCF-style: chr7-6048652-G-A.
Other names: c.-402C>T (NM_001018040.1, NM_001322003.2, NM_001322013.2 and 5 more transcripts); c.-267C>T (NM_001322004.2, NM_001322010.2, NM_001406911.1); c.-597C>T (NM_001322005.2); c.-2C>T (NM_001322006.2, NM_001322014.2, NM_001406866.1 and 11 more transcripts); c.-217C>T (NM_001322007.2, NM_001406876.1, NM_001406896.1 and 2 more transcripts); c.-77C>T (NM_001322008.2); c.-592C>T (NM_001322009.2, NM_001406897.1); c.-886C>T (NM_001322011.2); and 19 more.
Identifiers: ClinVar variation 229807 (VCV000229807.13), dbSNP rs876658209, ClinGen allele CA10578739.
Genomic context (GRCh38, chr7:6,009,021, plus strand): 5'-GAGAGGGGACACCGGAAGACTGCGAGCCCCGCTCACCTCGAGCTCTCAGCTCGCTCCATG[G>A]ATGCAACACCCGATCCGCCTCGGGGACTGGGAAAGTTCCCTCCAGGGCTCCCACAGGCGC-3'

ClinVar aggregate classification (germline): Conflicting classifications of pathogenicity. Review status: criteria provided, conflicting classifications (1 of 4 stars). 3 submissions from 3 submitters: Uncertain significance (2); Likely benign (1). Last evaluated 2025-06-23.

Conditions:
Hereditary cancer-predisposing syndrome. Also called: Hereditary neoplastic syndrome; Hereditary Cancer Syndrome; Neoplastic Syndromes, Hereditary; Tumor predisposition. Identifiers: Orphanet 140162, MedGen C0027672, MeSH D009386, MONDO:0015356.

Submissions (3):

Ambry Genetics
Classification: Uncertain significance for Hereditary cancer-predisposing syndrome. Last evaluated: 2025-06-23. Review status: criteria provided, single submitter. Criteria: Ambry Variant Classification Scheme 2023. Collection method: clinical testing. Allele origin: germline.
Comment: The c.-2C>T variant is located in the 5' untranslated region (5&rsquo; UTR) of the PMS2 gene. This variant results from a C to T substitution 2 bases upstream from the first translated codon. This nucleotide position is not well conserved in available vertebrate species. Based on the available evidence, the clinical significance of this variant remains unclear.

GeneDx
Classification: Uncertain significance. Last evaluated: 2024-12-03. Review status: criteria provided, single submitter. Criteria: GeneDx Variant Classification Process June 2021. Collection method: clinical testing. Allele origin: germline. Affected: yes.
Comment: Published functional studies demonstrate no damaging effect: no significant change in translation efficiency (PMID: 38654521); Has no predicted effect on splicing and nucleotide is not conserved across species; Not observed at significant frequency in large population cohorts (gnomAD); Describes a nucleotide substitution 2 base pairs upstream of the ATG translational start site, occurring in the Kozak sequence, the conserved nucleotides just upstream of the ATG start codon, which play a major role in the initiation of translation; This variant is associated with the following publications: (PMID: 38654521)

Color Diagnostics, LLC DBA Color Health
Classification: Likely benign for Hereditary cancer-predisposing syndrome. Last evaluated: 2016-07-18. Review status: criteria provided, single submitter. Criteria: ACMG Guidelines, 2015. Collection method: clinical testing. Allele origin: germline.